The following is an entry in ClinVar:

ClinVar aggregate classification (germline): Uncertain significance (1 of 4 stars; one submission).

Conditions:
Atrial fibrillation, familial, 11 (ATFB11). Identifiers: MedGen C3279693, MONDO:0013544, OMIM 614049.
Atrial standstill 1 (ATRST1). Also called: Atrial standstill, digenic (GJA5/SCN5A); ATRIAL CARDIOMYOPATHY WITH HEART BLOCK; CARDIOMYOPATHY, FAMILIAL, WITH CONDUCTION DISTURBANCE. Identifiers: Orphanet 1344, MedGen C4551959, MONDO:0007171, OMIM 108770.

gnomAD v4.1: 1 of 1,614,234 alleles (0.000062%); highest among the groups gnomAD compares: Non-Finnish European, 0.000085%; no homozygotes.

Submission:

Labcorp Genetics (formerly Invitae), Labcorp
Classification: Uncertain significance for Atrial fibrillation, familial, 11; Atrial standstill 1. Last evaluated: 2021-04-04. Review status: criteria provided, single submitter. Criteria: Invitae Variant Classification Sherloc (09022015). Collection method: clinical testing. Allele origin: germline.
Comment: This sequence change replaces glycine with cysteine at codon 119 of the GJA5 protein (p.Gly119Cys). The glycine residue is moderately conserved and there is a large physicochemical difference between glycine and cysteine. This variant is not present in population databases (ExAC no frequency). This variant has not been reported in the literature in individuals with GJA5-related conditions. Algorithms developed to predict the effect of missense changes on protein structure and function are either unavailable or do not agree on the potential impact of this missense change (SIFT: "Not Available"; PolyPhen-2: "Possibly Damaging"; Align-GVGD: "Not Available"). In summary, the available evidence is currently insufficient to determine the role of this variant in disease. Therefore, it has been classified as a Variant of Uncertain Significance.

NM_181703.4(GJA5):c.355G>T (p.Gly119Cys)

Gene: GJA5 (gap junction protein alpha 5; minus strand). Cytogenetic location: 1q21.2.
Variant type: single nucleotide variant.
Coding change: c.355G>T on transcript NM_181703.4 (MANE Select); coding-DNA position 355, G replaced by T.
Protein change: p.Gly119Cys; replaces glycine 119 with cysteine.
Molecular consequence: missense variant.
Genome position (GRCh38, 1-based): chr1:147,758,884, C>A on the plus strand (G>T on the coding strand, the complement: GJA5 is on the minus strand). VCF-style: chr1-147758884-C-A. GRCh37 (hg19) VCF-style: chr1-147230992-C-A.
Other names: c.355G>T, p.Gly119Cys (NM_005266.7); short protein forms G119C.
Identifiers: ClinVar variation 1509344 (VCV001509344.6), dbSNP rs2148959258, ClinGen allele CA342396731.
Genomic context (GRCh38, chr1:147,758,884, plus strand): 5'-CTTCCTCCCAGCAGGACAGTTCTGCCTTCTCTGCCACCGGGTACTCGTAAGAGCCAGAGC[C>A]CCGGACCTCTTTGGCCCTCTCGGCCTCCCGTAGCTTGCGCTTCTCCTGCATGCGCACAGT-3'
Protein context (NP_859054.1, residues 109-129): REAERAKEVR[Gly119Cys]SGSYEYPVAE